The following is an entry in ClinVar:

NM_000303.3(PMM2):c.639+2T>C

Gene: PMM2 (phosphomannomutase 2; plus strand). Cytogenetic location: 16p13.2.
Variant type: single nucleotide variant.
Coding change: c.639+2T>C on transcript NM_000303.3 (MANE Select); the canonical splice donor site of the intron after coding-DNA position 639, T replaced by C.
Molecular consequence: splice donor variant.
Genome position (GRCh38, 1-based): chr16:8,813,108, T>C. VCF-style: chr16-8813108-T-C. GRCh37 (hg19) VCF-style: chr16-8906965-T-C.
Identifiers: ClinVar variation 2706935 (VCV002706935.3), dbSNP rs2549148011, ClinGen allele CA394698150.

ClinVar aggregate classification (germline): Pathogenic (1 of 4 stars; one submission).

Conditions:
PMM2-congenital disorder of glycosylation. Also called: Congenital disorder of glycosylation, type Ia; CDG Ia; JAEKEN SYNDROME; PHOSPHOMANNOMUTASE 2 DEFICIENCY; CARBOHYDRATE-DEFICIENT GLYCOPROTEIN SYNDROME, TYPE Ia; PMM2-CDG. Identifiers: Orphanet 79318, MedGen C0349653, MONDO:0008907, OMIM 212065.

Submission:

Labcorp Genetics (formerly Invitae), Labcorp
Classification: Pathogenic for PMM2-congenital disorder of glycosylation. Last evaluated: 2024-01-04. Review status: criteria provided, single submitter. Criteria: Invitae Variant Classification Sherloc (09022015). Collection method: clinical testing. Allele origin: germline.
Comment: This sequence change affects a donor splice site in intron 7 of the PMM2 gene. While this variant is not anticipated to result in nonsense mediated decay, it likely alters RNA splicing and results in a disrupted protein product. This variant is not present in population databases (gnomAD no frequency). This variant has not been reported in the literature in individuals affected with PMM2-related conditions. Variants that disrupt the consensus splice site are a relatively common cause of aberrant splicing (PMID: 17576681, 9536098). Algorithms developed to predict the effect of sequence changes on RNA splicing suggest that this variant may disrupt the consensus splice site. This variant disrupts a region of the PMM2 protein in which other variant(s) (p.Leu243Pro) have been determined to be pathogenic (Invitae). This suggests that this is a clinically significant region of the protein, and that variants that disrupt it are likely to be disease-causing. For these reasons, this variant has been classified as Pathogenic.

Literature cited by the submitters: PubMed 17576681; PubMed 9536098.